The following is an entry in ClinVar:

NM_000141.5(FGFR2):c.2301+1405G>A

Gene: FGFR2 (fibroblast growth factor receptor 2; minus strand). Cytogenetic location: 10q26.13.
Variant type: single nucleotide variant.
Coding change: c.2301+1405G>A on transcript NM_000141.5 (MANE Select); 1405 bases into the intron after coding-DNA position 2301, G replaced by A.
Molecular consequence: intron variant.
Genome position (GRCh38, 1-based): chr10:121,482,293, C>T on the plus strand (G>A on the coding strand, the complement: FGFR2 is on the minus strand). VCF-style: chr10-121482293-C-T. GRCh37 (hg19) VCF-style: chr10-123241807-C-T.
Other names: c.1965+1405G>A (NM_001144914.1); c.1950+1405G>A (NM_001144918.2, NM_001441091.1); c.1956+1405G>A (NM_001441090.1, NM_001144916.2); c.2028+1405G>A (NM_001441089.1); c.2034+1405G>A (NM_023029.3, NM_001144915.2); c.2031+1405G>A (NM_001441088.1); c.1953+1405G>A (NM_001144917.2); c.2295+1405G>A (NM_001320658.2); and 5 more.
Identifiers: ClinVar variation 2640889 (VCV002640889.24), dbSNP rs71484672, ClinGen allele CA214952819.

ClinVar aggregate classification (germline): Benign (1 of 4 stars; one submission).

Allele frequency attached by ClinVar (database versions not stated): 1000 Genomes Project 0.00399; 1000 Genomes Project 30x 0.00453; gnomAD 0.00859; TOPMed 0.00884.
gnomAD v4.1: 8,398 of 832,036 alleles (1%); highest among the groups gnomAD compares: Non-Finnish European, 1.3%; 61 homozygotes.

Submission:

CeGaT Center for Human Genetics Tuebingen
Classification: Benign. Last evaluated: 2026-09-01. Review status: criteria provided, single submitter. Criteria: CeGaT Center For Human Genetics Tuebingen Variant Classification Criteria Version 2. Collection method: clinical testing. Allele origin: germline. Affected: yes. Observed: 27 variant alleles.
Comment: FGFR2: BS1, BS2